The following is an entry in ClinVar:

NM_004364.5(CEBPA):c.641G>T (p.Gly214Val)

Gene: CEBPA (CCAAT enhancer binding protein alpha; minus strand). Cytogenetic location: 19q13.11.
Variant type: single nucleotide variant.
Coding change: c.641G>T on transcript NM_004364.5 (MANE Select); coding-DNA position 641, G replaced by T.
Protein change: p.Gly214Val; replaces glycine 214 with valine.
Molecular consequence: missense variant.
Genome position (GRCh38, 1-based): chr19:33,301,774, C>A on the plus strand (G>T on the coding strand, the complement: CEBPA is on the minus strand). VCF-style: chr19-33301774-C-A. GRCh37 (hg19) VCF-style: chr19-33792680-C-A.
Other names: c.284G>T, p.Gly95Val (NM_001285829.2); c.746G>T, p.Gly249Val (NM_001287424.2); c.599G>T, p.Gly200Val (NM_001287435.2); c.641G>T (NM_004364.3); short protein forms G249V, G200V, G95V, G214V.
Identifiers: ClinVar variation 844564 (VCV000844564.11), dbSNP rs1967174628, ClinGen allele CA405274513.

ClinVar aggregate classification (germline): Uncertain significance. Review status: criteria provided, multiple submitters, no conflicts (2 of 4 stars). 2 submissions from 2 submitters: Uncertain significance (2). Last evaluated 2025-11-08.

Conditions:
Acute myeloid leukemia (AML). Also called: Acute myeloid leukemia, adult; AML adult; Acute non-lymphocytic leukemia; Acute granulocytic leukemia; Leukemia, acute myeloid, somatic; Leukemia, acute myelogenous, somatic. Identifiers: Orphanet 519, MedGen C0023467, MeSH D015470, MONDO:0018874, OMIM 601626, HP:0004808. Disease mechanism: Constitutively activated FLT3.
Inborn genetic diseases. Identifiers: MedGen C0950123, MeSH D030342.

Submissions (2):

Ambry Genetics
Classification: Uncertain significance for Inborn genetic diseases. Last evaluated: 2025-11-08. Review status: criteria provided, single submitter. Criteria: Ambry Variant Classification Scheme 2023. Collection method: clinical testing. Allele origin: germline.
Comment: The p.G214V variant (also known as c.641G>T), located in coding exon 1 of the CEBPA gene, results from a G to T substitution at nucleotide position 641. The glycine at codon 214 is replaced by valine, an amino acid with dissimilar properties. This amino acid position is conserved. In addition, this alteration is predicted to be tolerated by in silico analysis. Based on the available evidence, the clinical significance of this variant remains unclear.

Labcorp Genetics (formerly Invitae), Labcorp
Classification: Uncertain significance for Acute myeloid leukemia. Last evaluated: 2022-10-05. Review status: criteria provided, single submitter. Criteria: Invitae Variant Classification Sherloc (09022015). Collection method: clinical testing. Allele origin: germline.
Comment: In summary, the available evidence is currently insufficient to determine the role of this variant in disease. Therefore, it has been classified as a Variant of Uncertain Significance. Advanced modeling of protein sequence and biophysical properties (such as structural, functional, and spatial information, amino acid conservation, physicochemical variation, residue mobility, and thermodynamic stability) performed at Invitae indicates that this missense variant is not expected to disrupt CEBPA protein function. ClinVar contains an entry for this variant (Variation ID: 844564). This variant has not been reported in the literature in individuals affected with CEBPA-related conditions. The frequency data for this variant in the population databases is considered unreliable, as metrics indicate insufficient coverage at this position in the gnomAD database. This sequence change replaces glycine, which is neutral and non-polar, with valine, which is neutral and non-polar, at codon 214 of the CEBPA protein (p.Gly214Val).